The following is an entry in ClinVar:

NM_002878.4(RAD51D):c.589T>G (p.Ser197Ala)

Genes: RAD51D (RAD51 paralog D; minus strand), RAD51L3-RFFL (RAD51L3-RFFL readthrough; minus strand). Cytogenetic location: 17q12.
Variant type: single nucleotide variant.
Coding change: c.589T>G on transcript NM_002878.4 (MANE Select); coding-DNA position 589, T replaced by G.
Protein change: p.Ser197Ala; replaces serine 197 with alanine.
Molecular consequence: missense variant. On other transcripts: non-coding transcript variant (3).
Genome position (GRCh38, 1-based): chr17:35,103,532, A>C on the plus strand (T>G on the coding strand, the complement: RAD51D is on the minus strand). VCF-style: chr17-35103532-A-C. GRCh37 (hg19) VCF-style: chr17-33430551-A-C.
Other names: c.649T>G, p.Ser217Ala (NM_001142571.2); c.253T>G, p.Ser85Ala (NM_133629.3); short protein forms S197A, S85A, S217A.
Identifiers: ClinVar variation 486283 (VCV000486283.17), dbSNP rs1281145358, ClinGen allele CA399087975.

ClinVar aggregate classification (germline): Uncertain significance. Review status: criteria provided, multiple submitters, no conflicts (2 of 4 stars). 3 submissions from 3 submitters: Uncertain significance (3). Last evaluated 2025-06-10.

Conditions:
Breast-ovarian cancer, familial, susceptibility to, 4. Identifiers: Orphanet 145, MedGen C3280345, MONDO:0013669, OMIM 614291.
Hereditary cancer-predisposing syndrome. Also called: Tumor predisposition; Hereditary Cancer Syndrome; Hereditary neoplastic syndrome; Neoplastic Syndromes, Hereditary. Identifiers: Orphanet 140162, MedGen C0027672, MeSH D009386, MONDO:0015356.

Allele frequency attached by ClinVar (database versions not stated): gnomAD exomes below 0.00001; TOPMed below 0.00001; gnomAD 0.00001.

Submissions (3):

Labcorp Genetics (formerly Invitae), Labcorp
Classification: Uncertain significance for Breast-ovarian cancer, familial, susceptibility to, 4. Last evaluated: 2025-06-10. Review status: criteria provided, single submitter. Criteria: Invitae Variant Classification Sherloc (09022015). Collection method: clinical testing. Allele origin: germline.
Comment: This sequence change replaces serine, which is neutral and polar, with alanine, which is neutral and non-polar, at codon 197 of the RAD51D protein (p.Ser197Ala). This variant is present in population databases (no rsID available, gnomAD 0.008%). This variant has not been reported in the literature in individuals affected with RAD51D-related conditions. ClinVar contains an entry for this variant (Variation ID: 486283). Invitae Evidence Modeling of protein sequence and biophysical properties (such as structural, functional, and spatial information, amino acid conservation, physicochemical variation, residue mobility, and thermodynamic stability) indicates that this missense variant is not expected to disrupt RAD51D protein function with a negative predictive value of 80%. In summary, the available evidence is currently insufficient to determine the role of this variant in disease. Therefore, it has been classified as a Variant of Uncertain Significance.

Color Diagnostics, LLC DBA Color Health
Classification: Uncertain significance for Hereditary cancer-predisposing syndrome. Last evaluated: 2023-12-05. Review status: criteria provided, single submitter. Criteria: ACMG Guidelines, 2015. Collection method: clinical testing. Allele origin: germline.
Comment: This missense variant replaces serine with alanine at codon 197 of the RAD51D protein. Computational prediction suggests that this variant may not impact protein structure and function (internally defined REVEL score threshold <= 0.5, PMID: 27666373). To our knowledge, functional studies have not been reported for this variant. This variant has not been reported in individuals affected with RAD51D-related disorders in the literature. This variant has been identified in 2/282730 chromosomes in the general population by the Genome Aggregation Database (gnomAD). The available evidence is insufficient to determine the role of this variant in disease conclusively. Therefore, this variant is classified as a Variant of Uncertain Significance.

Ambry Genetics
Classification: Uncertain significance for Hereditary cancer-predisposing syndrome. Last evaluated: 2023-06-07. Review status: criteria provided, single submitter. Criteria: Ambry Variant Classification Scheme 2023. Collection method: clinical testing. Allele origin: germline.
Comment: The p.S197A variant (also known as c.589T>G), located in coding exon 7 of the RAD51D gene, results from a T to G substitution at nucleotide position 589. The serine at codon 197 is replaced by alanine, an amino acid with similar properties. This amino acid position is well conserved in available vertebrate species. In addition, this alteration is predicted to be tolerated by in silico analysis. Since supporting evidence is limited at this time, the clinical significance of this alteration remains unclear.